The following is an entry in ClinVar:

NM_001374828.1(ARID1B):c.2126A>T (p.Gln709Leu)

Gene: ARID1B (AT-rich interaction domain 1B; plus strand). Cytogenetic location: 6q25.3.
Variant type: single nucleotide variant.
Coding change: c.2126A>T on transcript NM_001374828.1 (MANE Select); coding-DNA position 2126, A replaced by T.
Protein change: p.Gln709Leu; replaces glutamine 709 with leucine.
Molecular consequence: missense variant.
Genome position (GRCh38, 1-based): chr6:156,901,515, A>T. VCF-style: chr6-156901515-A-T. GRCh37 (hg19) VCF-style: chr6-157222649-A-T.
Other names: c.1877A>T, p.Gln626Leu (NM_001346813.1); c.2165A>T, p.Gln722Leu (NM_001371656.1, NM_001374820.1); c.2126A>T, p.Gln709Leu (NM_017519.3); c.1916A>T, p.Gln639Leu (NM_020732.3); c.1703A>T, p.Gln568Leu (NM_175863.2); short protein forms Q709L, Q568L, Q626L, Q639L, Q722L.
Identifiers: ClinVar variation 2015782 (VCV002015782.4), dbSNP rs2534827498, ClinGen allele CA366380976.
Genomic context (GRCh38, chr6:156,901,515, plus strand): 5'-AGCCCCCGCACCTCCCACCCCAGGCGCAGTATCTGCCGTCCCAGTCCCAGCAGAGGTACC[A>T]GCCGCAGCAGGTGAGCACAGTGCACTGCCCCGCAGGGCCCTGTTTTCTCCACCAAGGCAG-3'
Protein context (NP_001361757.1, residues 699-719): YLPSQSQQRY[Gln709Leu]PQQDMSQEGY

ClinVar aggregate classification (germline): Uncertain significance (1 of 4 stars; one submission).

Submission:

Labcorp Genetics (formerly Invitae), Labcorp
Classification: Uncertain significance. Last evaluated: 2022-07-26. Review status: criteria provided, single submitter. Criteria: Invitae Variant Classification Sherloc (09022015). Collection method: clinical testing. Allele origin: germline.
Comment: This variant is not present in population databases (gnomAD no frequency). This sequence change replaces glutamine, which is neutral and polar, with leucine, which is neutral and non-polar, at codon 639 of the ARID1B protein (p.Gln639Leu). This variant has not been reported in the literature in individuals affected with ARID1B-related conditions. In summary, the available evidence is currently insufficient to determine the role of this variant in disease. Therefore, it has been classified as a Variant of Uncertain Significance. Algorithms developed to predict the effect of missense changes on protein structure and function are either unavailable or do not agree on the potential impact of this missense change (SIFT: "Deleterious"; PolyPhen-2: "Benign"; Align-GVGD: "Class C0").